The following is an entry in ClinVar:

ClinVar aggregate classification (germline): Likely pathogenic (1 of 4 stars; one submission).

Conditions:
Cardiovascular phenotype. Identifiers: MedGen CN230736.

Submission:

Ambry Genetics
Classification: Likely pathogenic for Cardiovascular phenotype. Last evaluated: 2019-08-13. Review status: criteria provided, single submitter. Criteria: Ambry Variant Classification Scheme 2023. Collection method: clinical testing. Allele origin: germline.
Comment: The c.3190+5G>C intronic variant results from a G to C substitution 5 nucleotides after coding exon 29 in the MYBPC3 gene. This alteration has been reported in a hypertrophic cardiomyopathy (HCM) cohort (Mademont-Soler I et al. PLoS ONE, 2017 Aug;12:e0181465). This variant was not reported in population-based cohorts in the Genome Aggregation Database (gnomAD). This nucleotide position is highly conserved in available vertebrate species. This splice prediction software predicts that this alteration will abolish the native splice donor site. Based on the majority of available evidence to date, this variant is likely to be pathogenic.

Literature cited by the submitters: PubMed 28771489.

NM_000256.3(MYBPC3):c.3190+5G>C

Gene: MYBPC3 (myosin binding protein C3; minus strand). Cytogenetic location: 11p11.2.
Variant type: single nucleotide variant.
Coding change: c.3190+5G>C on transcript NM_000256.3 (MANE Select); 5 bases into the intron after coding-DNA position 3190, G replaced by C.
Molecular consequence: intron variant.
Genome position (GRCh38, 1-based): chr11:47,333,552, C>G on the plus strand (G>C on the coding strand, the complement: MYBPC3 is on the minus strand). VCF-style: chr11-47333552-C-G. GRCh37 (hg19) VCF-style: chr11-47355103-C-G.
Identifiers: ClinVar variation 1728661 (VCV001728661.2), dbSNP rs587782958, ClinGen allele CA2573051242.
Genomic context (GRCh38, chr11:47,333,552, plus strand): 5'-TTGGCCCCAGCAGCCCAGCCCAGGGAAGGGAAACAAGGGGGCTCAAGGAGGCCTTGGCCA[C>G]GCACCAACAACCTGCAGCACCAGCGTGGCCTTGTCCTCCATGTTCTCAATGCGCACCGTC-3'